The following is an entry in ClinVar:

ClinVar aggregate classification (germline): Pathogenic. Review status: criteria provided, multiple submitters, no conflicts (2 of 4 stars). 2 submissions from 2 submitters: Pathogenic (2). Last evaluated 2025-01-31.

Conditions:
COL2A1-related disorder. Also called: COL2A1-related condition; COL2A1-related disorders.

Submissions (2):

PreventionGenetics, part of Exact Sciences
Classification: Pathogenic for COL2A1-related condition. Last evaluated: 2025-01-31. Review status: criteria provided, single submitter. Criteria: ACMG Guidelines, 2015. Collection method: clinical testing. Allele origin: germline.
Comment: The COL2A1 c.3886+2T>G variant is predicted to disrupt the GT donor site and interfere with normal splicing. To our knowledge, this variant has not been reported in the literature or in a large population database, indicating this variant is rare. Alternate splicing variants (c.3886+1G>T, c.3886+1G>A, c.3886+2T>C) have been reported in individuals with Stickler syndrome (Richards et al. 2006. PubMed ID: 16752401). Variants that disrupt the consensus splice donor site in COL2A1 are expected to be pathogenic. This variant is interpreted as pathogenic.

Labcorp Genetics (formerly Invitae), Labcorp
Classification: Pathogenic. Last evaluated: 2024-03-17. Review status: criteria provided, single submitter. Criteria: Invitae Variant Classification Sherloc (09022015). Collection method: clinical testing. Allele origin: germline.
Comment: This sequence change affects a donor splice site in intron 51 of the COL2A1 gene. It is expected to disrupt RNA splicing. Variants that disrupt the donor or acceptor splice site typically lead to a loss of protein function (PMID: 16199547), and loss-of-function variants in COL2A1 are known to be pathogenic (PMID: 20179744). This variant is not present in population databases (gnomAD no frequency). Disruption of this splice site has been observed in individuals with Stickler syndrome (PMID: 16752401). Studies have shown that disruption of this splice site alters mRNA splicing and is expected to lead to the loss of protein expression (PMID: 16752401). For these reasons, this variant has been classified as Pathogenic.

Literature cited by the submitters: PubMed 16199547 (cited by Labcorp Genetics (formerly Invitae), Labcorp); PubMed 20179744 (cited by Labcorp Genetics (formerly Invitae), Labcorp); PubMed 16752401 (cited by Labcorp Genetics (formerly Invitae), Labcorp).

NM_001844.5(COL2A1):c.3886+2T>G

Gene: COL2A1 (collagen type II alpha 1 chain; minus strand). Cytogenetic location: 12q13.11.
Variant type: single nucleotide variant.
Coding change: c.3886+2T>G on transcript NM_001844.5 (MANE Select); the canonical splice donor site of the intron after coding-DNA position 3886, T replaced by G.
Molecular consequence: splice donor variant.
Genome position (GRCh38, 1-based): chr12:47,975,315, A>C on the plus strand (T>G on the coding strand, the complement: COL2A1 is on the minus strand). VCF-style: chr12-47975315-A-C. GRCh37 (hg19) VCF-style: chr12-48369098-A-C.
Other names: c.3679+2T>G (NM_033150.3).
Identifiers: ClinVar variation 3345549 (VCV003345549.4).
Genomic context (GRCh38, chr12:47,975,315, plus strand): 5'-TGCTAGGCCTAAGGGATGACTCCCTGCTTCCCGGGGCAGGGGATCCTGTTCTCCAAGCTT[A>C]CCACTCTTCCACTCAGGGTGGCAGAGTTTCAGGTCTCTGCAGGTGCGAGCAGGGTTCTTG-3'